The following is an entry in ClinVar:

ClinVar aggregate classification (germline): Uncertain significance (1 of 4 stars; one submission).

Conditions:
Cutis laxa, X-linked (OHS). Also called: EDS IX; Occipital horn syndrome. Identifiers: Orphanet 198, MedGen C0268353, MONDO:0010572, OMIM 304150.
X-linked distal spinal muscular atrophy type 3. Also called: ATP7A-Related Distal Motor Neuropathy; NEURONOPATHY, DISTAL HEREDITARY MOTOR, X-LINKED; NEUROPATHY, DISTAL HEREDITARY MOTOR, X-LINKED; SPINAL MUSCULAR ATROPHY, DISTAL, X-LINKED RECESSIVE. Identifiers: Orphanet 139557, MedGen C1845359, MONDO:0010338, OMIM 300489.
Menkes kinky-hair syndrome (MNK). Also called: Classic Menkes Disease; Menkes Disease; Copper transport disease. Identifiers: Orphanet 565, MedGen C0022716, MONDO:0010651, OMIM 309400.

Submission:

Labcorp Genetics (formerly Invitae), Labcorp
Classification: Uncertain significance for X-linked distal spinal muscular atrophy type 3; Cutis laxa, X-linked; Menkes kinky-hair syndrome. Last evaluated: 2018-08-20. Review status: criteria provided, single submitter. Criteria: Invitae Variant Classification Sherloc (09022015). Collection method: clinical testing. Allele origin: germline.
Comment: In summary, the available evidence is currently insufficient to determine the role of this variant in disease. Therefore, it has been classified as a Variant of Uncertain Significance. This sequence change replaces histidine with tyrosine at codon 38 of the ATP7A protein (p.His38Tyr). The histidine residue is moderately conserved and there is a moderate physicochemical difference between histidine and tyrosine. This variant is not present in population databases (ExAC no frequency). This variant has not been reported in the literature in individuals with ATP7A-related disease. Algorithms developed to predict the effect of missense changes on protein structure and function (SIFT, PolyPhen-2, Align-GVGD) all suggest that this variant is likely to be tolerated, but these predictions have not been confirmed by published functional studies and their clinical significance is uncertain.

NM_000052.7(ATP7A):c.112C>T (p.His38Tyr)

Gene: ATP7A (ATPase copper transporting alpha; plus strand). Cytogenetic location: Xq21.1.
Variant type: single nucleotide variant.
Coding change: c.112C>T on transcript NM_000052.7 (MANE Select); coding-DNA position 112, C replaced by T.
Protein change: p.His38Tyr; replaces histidine 38 with tyrosine.
Molecular consequence: missense variant. On other transcripts: non-coding transcript variant (1).
Genome position (GRCh38, 1-based): chrX:77,971,753, C>T. VCF-style: chrX-77971753-C-T. GRCh37 (hg19) VCF-style: chrX-77227250-C-T.
Other names: c.112C>T, p.His38Tyr (NM_001282224.2); short protein forms H38Y.
Identifiers: ClinVar variation 648639 (VCV000648639.9), dbSNP rs1603378831, ClinGen allele CA413597856.